The following is an entry in ClinVar:

NM_002223.4(ITPR2):c.2268G>C (p.Leu756=)

Gene: ITPR2 (inositol 1,4,5-trisphosphate receptor type 2; minus strand). Cytogenetic location: 12p11.23.
Variant type: single nucleotide variant.
Coding change: c.2268G>C on transcript NM_002223.4 (MANE Select); coding-DNA position 2268, G replaced by C.
Protein change: p.Leu756=; no amino-acid change (leucine 756 retained).
Molecular consequence: synonymous variant.
Genome position (GRCh38, 1-based): chr12:26,656,473, C>G on the plus strand (G>C on the coding strand, the complement: ITPR2 is on the minus strand). VCF-style: chr12-26656473-C-G. GRCh37 (hg19) VCF-style: chr12-26809406-C-G.
Identifiers: ClinVar variation 736883 (VCV000736883.6), dbSNP rs150957410, ClinGen allele CA6489645.

ClinVar aggregate classification (germline): Benign/Likely benign. Review status: criteria provided, multiple submitters, no conflicts (2 of 4 stars). 3 submissions from 3 submitters: Benign (1); Likely benign (1). 1 of the submissions does not count toward it. Last evaluated 2024-11-25.

Conditions:
ITPR2-related disorder. Also called: ITPR2-related condition.

Allele frequency attached by ClinVar (database versions not stated): gnomAD exomes 0.00013 and 0.00032; ExAC 0.00033; ESP Exome Variant Server 0.00088; 1000 Genomes Project 0.00120; 1000 Genomes Project 30x 0.00125; gnomAD 0.00133 and 0.00139; TOPMed 0.00134.
gnomAD v4.1: 399 of 1,614,224 alleles (0.025%); highest among the groups gnomAD compares: African/African-American, 0.42%; no homozygotes.

Submissions (3):

Blueprint Genetics
Classification: Likely benign. Last evaluated: 2024-11-25. Review status: criteria provided, single submitter. Criteria: ACMG Guidelines, 2015. Collection method: clinical testing. Allele origin: germline.

Labcorp Genetics (formerly Invitae), Labcorp
Classification: Benign. Last evaluated: 2018-08-16. Review status: criteria provided, single submitter. Criteria: Invitae Variant Classification Sherloc (09022015). Collection method: clinical testing. Allele origin: germline.

PreventionGenetics, part of Exact Sciences
Classification: Likely benign for ITPR2-related condition. Last evaluated: 2020-05-28. Review status: no assertion criteria provided. Collection method: clinical testing. Allele origin: germline. Not counted in ClinVar's aggregate classification.
Comment: This variant is classified as likely benign based on ACMG/AMP sequence variant interpretation guidelines (Richards et al. 2015 PMID: 25741868, with internal and published modifications).